The following is an entry in ClinVar:

ClinVar aggregate classification (germline): Conflicting classifications of pathogenicity. Review status: criteria provided, conflicting classifications (1 of 4 stars). 2 submissions from 2 submitters: Uncertain significance (1); Likely benign (1). Last evaluated 2025-01-16.

Conditions:
Wilms tumor 1 (WT1). Also called: Wilms tumor, somatic. Identifiers: Orphanet 654, MedGen CN033288, MONDO:0008679, OMIM 194070.
11p partial monosomy syndrome (WAGR). Also called: WAGR Spectrum Disorder; CHROMOSOME 11p13 DELETION SYNDROME; WAGR Complex; WAGR syndrome. Identifiers: Orphanet 893, MedGen C0206115, MONDO:0008681, OMIM 194072.
Drash syndrome (DDS). Also called: NEPHROPATHY, WILMS TUMOR, AND GENITAL ANOMALIES; WILMS TUMOR AND PSEUDO- OR TRUE HERMAPHRODITISM. Identifiers: Orphanet 220, MedGen C0950121, MONDO:0008682, OMIM 194080.
Frasier syndrome. Identifiers: Orphanet 347, MedGen C0950122, MeSH D052159, MONDO:0007635, OMIM 136680.
Inborn genetic diseases. Identifiers: MedGen C0950123, MeSH D030342.

gnomAD v4.1: 5 of 1,541,114 alleles (0.00032%); highest among the groups gnomAD compares: Non-Finnish European, 0.00044%; no homozygotes.

Submissions (2):

Ambry Genetics
Classification: Likely benign for Inborn genetic diseases. Last evaluated: 2025-01-16. Review status: criteria provided, single submitter. Criteria: Ambry Variant Classification Scheme 2023. Collection method: clinical testing. Allele origin: germline.

Labcorp Genetics (formerly Invitae), Labcorp
Classification: Uncertain significance for Wilms tumor 1; Drash syndrome; 11p partial monosomy syndrome; Frasier syndrome. Last evaluated: 2022-02-19. Review status: criteria provided, single submitter. Criteria: Invitae Variant Classification Sherloc (09022015). Collection method: clinical testing. Allele origin: germline.
Comment: Algorithms developed to predict the effect of missense changes on protein structure and function are either unavailable or do not agree on the potential impact of this missense change (SIFT: "Tolerated"; PolyPhen-2: "Possibly Damaging"; Align-GVGD: "Class C0"). This variant has not been reported in the literature in individuals affected with WT1-related conditions. This variant is not present in population databases (gnomAD no frequency). This sequence change replaces alanine, which is neutral and non-polar, with serine, which is neutral and polar, at codon 127 of the WT1 protein (p.Ala127Ser). In summary, the available evidence is currently insufficient to determine the role of this variant in disease. Therefore, it has been classified as a Variant of Uncertain Significance.

NM_024426.6(WT1):c.394G>T (p.Ala132Ser)

Genes: WT1 (WT1 transcription factor; minus strand), LOC107982234 (WT1/WT1-AS bi-directional promoter region; plus strand). Cytogenetic location: 11p13.
Variant type: single nucleotide variant.
Coding change: c.394G>T on transcript NM_024426.6 (MANE Select); coding-DNA position 394, G replaced by T.
Protein change: p.Ala132Ser; replaces alanine 132 with serine.
Molecular consequence: missense variant. On other transcripts: non-coding transcript variant (1).
Genome position (GRCh38, 1-based): chr11:32,434,967, C>A on the plus strand (G>T on the coding strand, the complement: WT1 is on the minus strand). VCF-style: chr11-32434967-C-A. GRCh37 (hg19) VCF-style: chr11-32456513-C-A.
Other names: c.394G>T, p.Ala132Ser (NM_000378.6, NM_001407044.1, NM_001407045.1 and 6 more transcripts); c.379G>T, p.Ala127Ser (NM_024425.2); c.379G>T (NM_024426.4); short protein forms A127S, A132S.
Identifiers: ClinVar variation 1958246 (VCV001958246.6), dbSNP rs773831663, ClinGen allele CA379965788.